The following is an entry in ClinVar:

NM_000492.4(CFTR):c.3326T>C (p.Ile1109Thr)

Genes: CFTR (CF transmembrane conductance regulator; plus strand), CFTR-AS2 (CFTR antisense RNA 2; minus strand), LOC111674472 (DNase I hypersensitive sites in introns 16 and 17a of CFTR; plus strand). Cytogenetic location: 7q31.2.
Variant type: single nucleotide variant.
Coding change: c.3326T>C on transcript NM_000492.4 (MANE Select); coding-DNA position 3326, T replaced by C.
Protein change: p.Ile1109Thr; replaces isoleucine 1109 with threonine.
Molecular consequence: missense variant.
Genome position (GRCh38, 1-based): chr7:117,611,767, T>C. VCF-style: chr7-117611767-T-C. GRCh37 (hg19) VCF-style: chr7-117251821-T-C.
Other names: short protein forms I1109T.
Identifiers: ClinVar variation 2453628 (VCV002453628.3), dbSNP rs2485130584, ClinGen allele CA368992550.

ClinVar aggregate classification (germline): Uncertain significance (1 of 4 stars; one submission).

Conditions:
Cystic fibrosis (CF). Also called: MUCOVISCIDOSIS. Identifiers: Orphanet 586, MedGen C0010674, MONDO:0009061, OMIM 219700. Disease mechanism: loss of function.

Allele frequency attached by ClinVar (database versions not stated): gnomAD exomes below 0.00001.
gnomAD v4.1: 1 of 1,613,342 alleles (0.000062%); highest among the groups gnomAD compares: Non-Finnish European, 0.000085%; no homozygotes.

Submission:

Ambry Genetics
Classification: Uncertain significance for Cystic fibrosis. Last evaluated: 2025-01-04. Review status: criteria provided, single submitter. Criteria: Ambry Variant Classification Scheme 2023. Collection method: clinical testing. Allele origin: germline.
Comment: The p.I1109T variant (also known as c.3326T>C), located in coding exon 20 of the CFTR gene, results from a T to C substitution at nucleotide position 3326. The isoleucine at codon 1109 is replaced by threonine, an amino acid with similar properties. This amino acid position is conserved. In addition, the in silico prediction for this alteration is inconclusive. Since supporting evidence is limited at this time, the clinical significance of this alteration remains unclear.